The following is an entry in ClinVar:

ClinVar aggregate classification (germline): Conflicting classifications of pathogenicity. Review status: criteria provided, conflicting classifications (1 of 4 stars). 6 submissions from 6 submitters: Uncertain significance (5); Likely benign (1). Last evaluated 2026-04-09.

Conditions:
Myofibrillar myopathy 5. Also called: FILAMINOPATHY, AUTOSOMAL DOMINANT; Filaminopathy (type). Identifiers: Orphanet 171445, MedGen C1836050, MONDO:0012289, OMIM 609524.
Hypertrophic cardiomyopathy 26. Also called: Cardiomyopathy, familial hypertrophic, 26. Identifiers: Orphanet 75249, MedGen C4310749, MONDO:0014883, OMIM 617047.
Distal myopathy with posterior leg and anterior hand involvement. Also called: WILLIAMS DISTAL MYOPATHY. Identifiers: Orphanet 63273, MedGen C3279722, MONDO:0013550, OMIM 614065.
FLNC-related disorder. Also called: FLNC-related disorders; FLNC-related condition.
Cardiovascular phenotype. Identifiers: MedGen CN230736.

Allele frequency attached by ClinVar (database versions not stated): 1000 Genomes Project below 0.00001; gnomAD exomes 0.00001 and 0.00002; ExAC 0.00003; gnomAD 0.00006 and 0.00007; TOPMed 0.00006; ESP Exome Variant Server 0.00023.
gnomAD v4.1: 21 of 1,613,758 alleles (0.0013%); highest among the groups gnomAD compares: African/African-American, 0.021%; no homozygotes.

Submissions (6):

PreventionGenetics, part of Exact Sciences
Classification: Uncertain significance for FLNC-related condition. Last evaluated: 2026-04-09. Review status: criteria provided, single submitter. Criteria: ACMG Guidelines, 2015. Collection method: clinical testing. Allele origin: germline.
Comment: The FLNC c.3592G>C variant is predicted to result in the amino acid substitution p.Val1198Leu. To our knowledge, this variant has not been reported in the literature. This variant is reported in 0.021% of alleles in individuals of African descent in gnomAD. Although we suspect that this variant may be benign, at this time, the clinical significance of this variant is uncertain due to the absence of conclusive functional and genetic evidence.

Labcorp Genetics (formerly Invitae), Labcorp
Classification: Likely benign for Distal myopathy with posterior leg and anterior hand involvement; Myofibrillar myopathy 5; Hypertrophic cardiomyopathy 26. Last evaluated: 2025-12-06. Review status: criteria provided, single submitter. Criteria: Invitae Variant Classification Sherloc (09022015). Collection method: clinical testing. Allele origin: germline.

GeneDx
Classification: Uncertain significance. Last evaluated: 2024-07-31. Review status: criteria provided, single submitter. Criteria: GeneDx Variant Classification Process June 2021. Collection method: clinical testing. Allele origin: germline. Affected: yes.
Comment: Has not been previously published as pathogenic or benign to our knowledge; In silico analysis indicates that this missense variant does not alter protein structure/function; This variant is associated with the following publications: (PMID: 31245841)

Ambry Genetics
Classification: Uncertain significance for Cardiovascular phenotype. Last evaluated: 2024-05-14. Review status: criteria provided, single submitter. Criteria: Ambry Variant Classification Scheme 2023. Collection method: clinical testing. Allele origin: germline.
Comment: The p.V1198L variant (also known as c.3592G>C), located in coding exon 21 of the FLNC gene, results from a G to C substitution at nucleotide position 3592. The valine at codon 1198 is replaced by leucine, an amino acid with highly similar properties. This amino acid position is not well conserved in available vertebrate species. In addition, this alteration is predicted to be tolerated by in silico analysis. Based on the available evidence, the clinical significance of this variant remains unclear.

Revvity Omics, Revvity
Classification: Uncertain significance. Last evaluated: 2019-12-09. Review status: criteria provided, single submitter. Criteria: ACMG Guidelines, 2015. Collection method: clinical testing. Allele origin: germline.

Mayo Clinic Laboratories, Mayo Clinic
Classification: Uncertain significance. Last evaluated: 2019-07-07. Review status: criteria provided, single submitter. Criteria: ACMG Guidelines, 2015. Collection method: clinical testing. Allele origin: germline. Observed: 1 variant allele.

NM_001458.5(FLNC):c.3592G>C (p.Val1198Leu)

Gene: FLNC (filamin C; plus strand). Cytogenetic location: 7q32.1.
Variant type: single nucleotide variant.
Coding change: c.3592G>C on transcript NM_001458.5 (MANE Select); coding-DNA position 3592, G replaced by C.
Protein change: p.Val1198Leu; replaces valine 1198 with leucine.
Molecular consequence: missense variant.
Genome position (GRCh38, 1-based): chr7:128,845,057, G>C. VCF-style: chr7-128845057-G-C. GRCh37 (hg19) VCF-style: chr7-128485111-G-C.
Other names: c.3592G>C, p.Val1198Leu (NM_001127487.2); short protein forms V1198L.
Identifiers: ClinVar variation 472042 (VCV000472042.25), dbSNP rs201912847, ClinGen allele CA4475076.